The following is an entry in ClinVar:

ClinVar aggregate classification (germline): Pathogenic (0 of 4 stars; one submission).

Conditions:
Pyruvate dehydrogenase E1-alpha deficiency (PDHAD). Also called: ATAXIA, INTERMITTENT, WITH PYRUVATE DEHYDROGENASE DEFICIENCY; ATAXIA WITH LACTIC ACIDOSIS I; ATAXIA, INTERMITTENT, WITH ABNORMAL PYRUVATE METABOLISM; Ataxia, intermittent, with pyruvate dehydrogenase, or decarboxylase, deficiency. Identifiers: Orphanet 79243, MedGen C1839413, MONDO:0010717, OMIM 312170.

Submission:

PDHA1 Study Group, University Children’s Hospital, Paracelsus Medical University
Classification: Pathogenic for Pyruvate dehydrogenase E1-alpha deficiency. Last evaluated: 2024-10-15. Review status: no assertion criteria provided. Collection method: research. Allele origin: germline. Affected: yes. Observed: 4 variant alleles.
Comment: The NM_000284.3:c.262C>A (p.Arg88Ser) substitution is a missense variant in PDHA1 gene. In total, 4 individuals were diagnosed with PDHA1-related Pyruvate dehydrogenase complex (PDHc) deficiency (MIM #312170). These include 4 males. The variant has been reported in 4 published cases (PMIDs: 9187674, 21470495, 21914562, 22079328). Last literature search: July 12, 2024. This variant is absent or extremely rare in population-based cohorts in the Genome Aggregation Database (gnomAD). Individuals harboring this variant presented with clinical features compatible with PDHA1-related PDHc deficiency. In summary, this variant meets criteria to be classified as pathogenic (P) for PDHA1-related PDHc deficiency based on the ACMG/AMP criteria applied: PS3, PM1, PM2, PM5, PM7, PP3 (last assessment October 15, 2024).

Literature cited by the submitters: PubMed 9187674; PubMed 21470495; PubMed 21914562; PubMed 22079328; DOI 10.1093/brain/awaf430.

NM_000284.4(PDHA1):c.262C>A (p.Arg88Ser)

Gene: PDHA1 (pyruvate dehydrogenase E1 subunit alpha 1; plus strand). Cytogenetic location: Xp22.12.
Variant type: single nucleotide variant.
Coding change: c.262C>A on transcript NM_000284.4 (MANE Select); coding-DNA position 262, C replaced by A.
Protein change: p.Arg88Ser; replaces arginine 88 with serine.
Molecular consequence: missense variant.
Genome position (GRCh38, 1-based): chrX:19,350,081, C>A. VCF-style: chrX-19350081-C-A. GRCh37 (hg19) VCF-style: chrX-19368199-C-A.
Other names: c.376C>A, p.Arg126Ser (NM_001173454.2); c.262C>A, p.Arg88Ser (NM_001173455.2, NM_001173456.2); short protein forms R126S, R88S.
Identifiers: ClinVar variation 4070443 (VCV004070443.1).
Genomic context (GRCh38, chrX:19,350,081, plus strand): 5'-ATGCAGACTGTACGCCGAATGGAGTTGAAAGCAGATCAGCTGTATAAACAGAAAATTATT[C>A]GTGGTTTCTGTCACTTGTGTGATGGTCAGGTGAGTGGTAGGTTTGTGGTGGAACTGTGTT-3'
Protein context (NP_000275.1, residues 78-98): ADQLYKQKII[Arg88Ser]GFCHLCDGQE